The following is an entry in ClinVar:

ClinVar aggregate classification (germline): Uncertain significance (1 of 4 stars; one submission).

Conditions:
Inborn genetic diseases. Identifiers: MedGen C0950123, MeSH D030342.

Submission:

Ambry Genetics
Classification: Uncertain significance for Inborn genetic diseases. Last evaluated: 2025-03-08. Review status: criteria provided, single submitter. Criteria: Ambry Variant Classification Scheme 2023. Collection method: clinical testing. Allele origin: germline.
Comment: The p.N947K variant (also known as c.2841C>G), located in coding exon 14 of the FANCM gene, results from a C to G substitution at nucleotide position 2841. The asparagine at codon 947 is replaced by lysine, an amino acid with similar properties. This amino acid position is conserved. In addition, this alteration is predicted to be tolerated by in silico analysis. Based on the available evidence, the clinical significance of this variant remains unclear.

NM_020937.4(FANCM):c.2841C>G (p.Asn947Lys)

Gene: FANCM (FA complementation group M; plus strand). Cytogenetic location: 14q21.2.
Variant type: single nucleotide variant.
Coding change: c.2841C>G on transcript NM_020937.4 (MANE Select); coding-DNA position 2841, C replaced by G.
Protein change: p.Asn947Lys; replaces asparagine 947 with lysine.
Molecular consequence: missense variant.
Genome position (GRCh38, 1-based): chr14:45,175,595, C>G. VCF-style: chr14-45175595-C-G. GRCh37 (hg19) VCF-style: chr14-45644798-C-G.
Other names: c.2763C>G, p.Asn921Lys (NM_001308133.2); short protein forms N921K, N947K.
Identifiers: ClinVar variation 3848806 (VCV003848806.1).